The following is an entry in ClinVar:

NM_198252.3(GSN):c.322G>A (p.Gly108Ser)

Gene: GSN (gelsolin; plus strand). Cytogenetic location: 9q33.2.
Variant type: single nucleotide variant.
Coding change: c.322G>A on transcript NM_198252.3 (MANE Select); coding-DNA position 322, G replaced by A.
Protein change: p.Gly108Ser; replaces glycine 108 with serine.
Molecular consequence: missense variant. On other transcripts: 5 prime UTR variant (1).
Genome position (GRCh38, 1-based): chr9:121,303,036, G>A. VCF-style: chr9-121303036-G-A. GRCh37 (hg19) VCF-style: chr9-124065314-G-A.
Other names: c.475G>A (NM_000177.4); c.475G>A, p.Gly159Ser (NM_000177.5); c.322G>A, p.Gly108Ser (NM_001127662.2, NM_001127664.2, NM_001127665.2 and 10 more transcripts); c.430G>A, p.Gly144Ser (NM_001127663.2); c.355G>A, p.Gly119Ser (NM_001127666.2, NM_001127667.2, NM_001353072.2 and 13 more transcripts); c.373G>A, p.Gly125Ser (NM_001258029.2); c.346G>A, p.Gly116Ser (NM_001258030.2); c.394G>A, p.Gly132Ser (NM_001353076.2); and 1 more; short protein forms G108S, G116S, G144S, G119S, G125S, G132S, G159S.
Identifiers: ClinVar variation 1478008 (VCV001478008.9), dbSNP rs367933536, ClinGen allele CA5220837.

ClinVar aggregate classification (germline): Uncertain significance. Review status: criteria provided, multiple submitters, no conflicts (2 of 4 stars). 3 submissions from 3 submitters: Uncertain significance (3). Last evaluated 2026-03-25.

Conditions:
Finnish type amyloidosis. Also called: AMYLOID CRANIAL NEUROPATHY WITH LATTICE CORNEAL DYSTROPHY; AMYLOIDOSIS DUE TO MUTANT GELSOLIN; Lattice corneal dystrophy associated with familial systemic amyloidosis; Meretoja's syndrome; Lattice dystrophy of the cornea with hereditary generalized amyloidosis; Amyloidosis, familial, Finnish type. Identifiers: Orphanet 85448, MedGen C1622345, MONDO:0007097, OMIM 105120.
GSN-related disorder. Also called: GSN-related condition.

Allele frequency attached by ClinVar (database versions not stated): gnomAD 0.00001 and 0.00002; ExAC 0.00002; gnomAD exomes 0.00003 and 0.00009; TOPMed 0.00003; ESP Exome Variant Server 0.00008.
gnomAD v4.1: 137 of 1,613,656 alleles (0.0085%); highest among the groups gnomAD compares: Non-Finnish European, 0.011%; no homozygotes.

Submissions (3):

PreventionGenetics, part of Exact Sciences
Classification: Uncertain significance for GSN-related condition. Last evaluated: 2026-03-25. Review status: criteria provided, single submitter. Criteria: ACMG Guidelines, 2015. Collection method: clinical testing. Allele origin: germline.
Comment: The GSN c.475G>A variant is predicted to result in the amino acid substitution p.Gly159Ser. To our knowledge, this variant has not been reported in the literature. This variant is reported in 0.0070% of alleles in individuals of European (non-Finnish) descent in gnomAD. At this time, the clinical significance of this variant is uncertain due to the absence of conclusive functional and genetic evidence.

Labcorp Genetics (formerly Invitae), Labcorp
Classification: Uncertain significance. Last evaluated: 2025-07-02. Review status: criteria provided, single submitter. Criteria: Invitae Variant Classification Sherloc (09022015). Collection method: clinical testing. Allele origin: germline.
Comment: This sequence change replaces glycine, which is neutral and non-polar, with serine, which is neutral and polar, at codon 159 of the GSN protein (p.Gly159Ser). This variant is present in population databases (rs367933536, gnomAD 0.007%). This variant has not been reported in the literature in individuals affected with GSN-related conditions. ClinVar contains an entry for this variant (Variation ID: 1478008). An algorithm developed to predict the effect of missense changes on protein structure and function outputs the following: PolyPhen-2: "Probably Damaging". The serine amino acid residue is found in multiple mammalian species, which suggests that this missense change does not adversely affect protein function. In summary, the available evidence is currently insufficient to determine the role of this variant in disease. Therefore, it has been classified as a Variant of Uncertain Significance.

Fulgent Genetics
Classification: Uncertain significance for Finnish type amyloidosis. Last evaluated: 2024-02-15. Review status: criteria provided, single submitter. Criteria: ACMG Guidelines, 2015. Collection method: clinical testing. Allele origin: germline.